The following is an entry in ClinVar:

NM_002796.3(PSMB4):c.650G>A (p.Cys217Tyr)

Gene: PSMB4 (proteasome 20S subunit beta 4; plus strand). Cytogenetic location: 1q21.3.
Variant type: single nucleotide variant.
Coding change: c.650G>A on transcript NM_002796.3 (MANE Select); coding-DNA position 650, G replaced by A.
Protein change: p.Cys217Tyr; replaces cysteine 217 with tyrosine.
Molecular consequence: missense variant.
Genome position (GRCh38, 1-based): chr1:151,401,312, G>A. VCF-style: chr1-151401312-G-A. GRCh37 (hg19) VCF-style: chr1-151373788-G-A.
Other names: short protein forms C217Y.
Identifiers: ClinVar variation 1347516 (VCV001347516.5), dbSNP rs2102123085, ClinGen allele CA341926801.

ClinVar aggregate classification (germline): Uncertain significance (1 of 4 stars; one submission).

Submission:

Labcorp Genetics (formerly Invitae), Labcorp
Classification: Uncertain significance. Last evaluated: 2021-09-08. Review status: criteria provided, single submitter. Criteria: Invitae Variant Classification Sherloc (09022015). Collection method: clinical testing. Allele origin: germline.
Comment: This sequence change replaces cysteine with tyrosine at codon 217 of the PSMB4 protein (p.Cys217Tyr). The cysteine residue is moderately conserved and there is a large physicochemical difference between cysteine and tyrosine. This variant is not present in population databases (ExAC no frequency). This variant has not been reported in the literature in individuals affected with PSMB4-related conditions. Algorithms developed to predict the effect of missense changes on protein structure and function are either unavailable or do not agree on the potential impact of this missense change (SIFT: "Deleterious"; PolyPhen-2: "Probably Damaging"; Align-GVGD: "Class C0"). In summary, the available evidence is currently insufficient to determine the role of this variant in disease. Therefore, it has been classified as a Variant of Uncertain Significance.